The following is an entry in ClinVar:

ClinVar aggregate classification (germline): Uncertain significance. Review status: criteria provided, multiple submitters, no conflicts (2 of 4 stars). 3 submissions from 3 submitters: Uncertain significance (3). Last evaluated 2026-01-09.

Conditions:
Chédiak-Higashi syndrome (CHS). Also called: Chediak-Higashi Syndrome. Identifiers: Orphanet 167, MedGen C0007965, MONDO:0008963, OMIM 214500.

Allele frequency attached by ClinVar (database versions not stated): gnomAD exomes below 0.00001 and 0.00001; TOPMed 0.00001.
gnomAD v4.1: 9 of 1,614,048 alleles (0.00056%); highest among the groups gnomAD compares: African/African-American, 0.0027%; no homozygotes.

Submissions (3):

GeneDx
Classification: Uncertain significance. Last evaluated: 2026-01-09. Review status: criteria provided, single submitter. Criteria: GeneDx Variant Classification Process June 2021. Collection method: clinical testing. Allele origin: germline. Affected: yes.
Comment: Not observed at a significant frequency in large population cohorts (gnomAD); In silico analysis, which includes protein predictors and evolutionary conservation, supports a deleterious effect; Has not been previously published as pathogenic or benign to our knowledge

Labcorp Genetics (formerly Invitae), Labcorp
Classification: Uncertain significance for Chédiak-Higashi syndrome. Last evaluated: 2022-06-10. Review status: criteria provided, single submitter. Criteria: Invitae Variant Classification Sherloc (09022015). Collection method: clinical testing. Allele origin: germline.
Comment: This sequence change replaces cysteine, which is neutral and slightly polar, with serine, which is neutral and polar, at codon 3706 of the LYST protein (p.Cys3706Ser). This variant is present in population databases (no rsID available, gnomAD 0.004%). This variant has not been reported in the literature in individuals affected with LYST-related conditions. ClinVar contains an entry for this variant (Variation ID: 946076). Algorithms developed to predict the effect of missense changes on protein structure and function are either unavailable or do not agree on the potential impact of this missense change (SIFT: "Tolerated"; PolyPhen-2: "Probably Damaging"; Align-GVGD: "Class C0"). In summary, the available evidence is currently insufficient to determine the role of this variant in disease. Therefore, it has been classified as a Variant of Uncertain Significance.

Revvity Omics, Revvity
Classification: Uncertain significance for Chédiak-Higashi syndrome. Last evaluated: 2019-11-19. Review status: criteria provided, single submitter. Criteria: ACMG Guidelines, 2015. Collection method: clinical testing. Allele origin: germline.

NM_000081.4(LYST):c.11116T>A (p.Cys3706Ser)

Gene: LYST (lysosomal trafficking regulator; minus strand). Cytogenetic location: 1q42.3.
Variant type: single nucleotide variant.
Coding change: c.11116T>A on transcript NM_000081.4 (MANE Select); coding-DNA position 11116, T replaced by A.
Protein change: p.Cys3706Ser; replaces cysteine 3706 with serine.
Molecular consequence: missense variant.
Genome position (GRCh38, 1-based): chr1:235,664,544, A>T on the plus strand (T>A on the coding strand, the complement: LYST is on the minus strand). VCF-style: chr1-235664544-A-T. GRCh37 (hg19) VCF-style: chr1-235827844-A-T.
Other names: c.11116T>A, p.Cys3706Ser (NM_001301365.1); short protein forms C3706S.
Identifiers: ClinVar variation 946076 (VCV000946076.8), dbSNP rs1481260242, ClinGen allele CA344986870.